The following is an entry in ClinVar:

ClinVar aggregate classification (germline): Pathogenic (1 of 4 stars; one submission).

Conditions:
Autosomal recessive limb-girdle muscular dystrophy type 2F (LGMDR6). Also called: Muscular dystrophy limb-girdle with delta-sarcoglyan deficiency; MUSCULAR DYSTROPHY, LIMB-GIRDLE, AUTOSOMAL RECESSIVE 6. Identifiers: Orphanet 219, MedGen C1832525, MONDO:0011028, OMIM 601287. Disease mechanism: Affects gamma-sarcoglycan and also disrupts the integrity of the entire sarcoglycan complex..

Submission:

Labcorp Genetics (formerly Invitae), Labcorp
Classification: Pathogenic for Autosomal recessive limb-girdle muscular dystrophy type 2F. Last evaluated: 2022-08-24. Review status: criteria provided, single submitter. Criteria: Invitae Variant Classification Sherloc (09022015). Collection method: clinical testing. Allele origin: germline.
Comment: This variant is a gross deletion of the genomic region encompassing exon(s) 7 of the SGCD gene. This deletion is out-of-frame, and is expected to create a premature termination codon and result in an absent or disrupted protein product. Loss-of-function variants in SGCD are known to be pathogenic (PMID: 8841194, 10735275, 10838250). This variant has not been reported in the literature in individuals affected with SGCD-related conditions. For these reasons, this variant has been classified as Pathogenic.

Literature cited by the submitters: PubMed 8841194; PubMed 10735275; PubMed 10838250.

NC_000005.9:g.(?_156074454)_(156074566_?)del

Gene: SGCD (sarcoglycan delta; plus strand). Cytogenetic location: 5q33.3.
Variant type: Deletion.
Identifiers: ClinVar variation 2422916 (VCV002422916.6).